The following is an entry in ClinVar:

NM_002474.3(MYH11):c.5197C>T (p.Arg1733Cys)

Genes: MYH11 (myosin heavy chain 11; minus strand), NDE1 (nudE neurodevelopment protein 1; plus strand). Cytogenetic location: 16p13.11.
Variant type: single nucleotide variant.
Coding change: c.5197C>T on transcript NM_002474.3 (MANE Select); coding-DNA position 5197, C replaced by T.
Protein change: p.Arg1733Cys; replaces arginine 1733 with cysteine.
Molecular consequence: missense variant. On other transcripts: intron variant (2).
Genome position (GRCh38, 1-based): chr16:15,718,413, G>A on the plus strand (C>T on the coding strand, the complement: MYH11 is on the minus strand). VCF-style: chr16-15718413-G-A. GRCh37 (hg19) VCF-style: chr16-15812270-G-A.
Other names: c.5218C>T, p.Arg1740Cys (NM_001040113.2, NM_001040114.2); c.5197C>T, p.Arg1733Cys (NM_022844.3); c.948-5778G>A (NM_001143979.2, NM_017668.3); c.5197C>T (NM_002474.2); short protein forms R1733C, R1740C.
Identifiers: ClinVar variation 856479 (VCV000856479.11), dbSNP rs1335030890, ClinGen allele CA394850238.

ClinVar aggregate classification (germline): Uncertain significance. Review status: criteria provided, multiple submitters, no conflicts (2 of 4 stars). 4 submissions from 4 submitters: Uncertain significance (4). Last evaluated 2026-07-02.

Conditions:
Familial thoracic aortic aneurysm and aortic dissection (TAAD). Also called: Thoracic aortic aneurysms and dissections. Identifiers: Orphanet 91387, MedGen C4707243, MONDO:0019625.
Aortic aneurysm, familial thoracic 4 (AAT4). Also called: AORTIC ANEURYSM/AORTIC DISSECTION AND PATENT DUCTUS ARTERIOSUS. Identifiers: MedGen C1851504, MONDO:0007568, OMIM 132900.

Allele frequency attached by ClinVar (database versions not stated): gnomAD exomes below 0.00001; gnomAD 0.00001.
gnomAD v4.1: 7 of 1,584,164 alleles (0.00044%); highest among the groups gnomAD compares: Middle Eastern, 0.018%; no homozygotes.

Submissions (4):

Ambry Genetics
Classification: Uncertain significance for Familial thoracic aortic aneurysm and aortic dissection. Last evaluated: 2026-07-02. Review status: criteria provided, single submitter. Criteria: Ambry Variant Classification Scheme 2023. Collection method: clinical testing. Allele origin: germline.
Comment: The p.R1733C variant (also known as c.5197C>T), located in coding exon 36 of the MYH11 gene, results from a C to T substitution at nucleotide position 5197. The arginine at codon 1733 is replaced by cysteine, an amino acid with highly dissimilar properties. This amino acid position is conserved. In addition, the in silico prediction for this alteration is inconclusive. Based on the available evidence, the clinical significance of this variant remains unclear.

Color Diagnostics, LLC DBA Color Health
Classification: Uncertain significance for Familial thoracic aortic aneurysm and aortic dissection. Last evaluated: 2024-03-06. Review status: criteria provided, single submitter. Criteria: ACMG Guidelines, 2015. Collection method: clinical testing. Allele origin: germline.
Comment: This missense variant replaces arginine with cysteine at codon 1740 of the MYH11 protein. Computational prediction is inconclusive regarding the impact of this variant on protein structure and function (internally defined REVEL score threshold 0.5 < inconclusive < 0.7, PMID: 27666373). To our knowledge, functional studies have not been reported for this variant. This variant has not been reported in individuals affected with MYH11-related disorders in the literature. This variant has been identified in 2/236650 chromosomes in the general population by the Genome Aggregation Database (gnomAD). The available evidence is insufficient to determine the role of this variant in disease conclusively. Therefore, this variant is classified as a Variant of Uncertain Significance.

All of Us Research Program, National Institutes of Health
Classification: Uncertain significance for Familial thoracic aortic aneurysm and aortic dissection. Last evaluated: 2024-02-05. Review status: criteria provided, single submitter. Criteria: ACMG Guidelines, 2015. Collection method: clinical testing. Allele origin: germline. Inheritance: Autosomal dominant inheritance. Observed: 2 variant alleles, 2 heterozygotes.
Comment: This missense variant replaces arginine with cysteine at codon 1740 of the MYH11 protein. Computational prediction is inconclusive regarding the impact of this variant on protein structure and function (internally defined REVEL score threshold 0.5 < inconclusive < 0.7, PMID: 27666373). To our knowledge, functional studies have not been reported for this variant. This variant has not been reported in individuals affected with cardiovascular disorders in the literature. This variant has been identified in 2/236650 chromosomes in the general population by the Genome Aggregation Database (gnomAD). The available evidence is insufficient to determine the role of this variant in disease conclusively. Therefore, this variant is classified as a Variant of Uncertain Significance.

This study involves interpretation of variants in research participants for the purpose of population health screening. Participant phenotype was not available at the time of variant classification. Additional details can be found in publication PMID: 35346344, PMCID: PMC8962531

Labcorp Genetics (formerly Invitae), Labcorp
Classification: Uncertain significance for Aortic aneurysm, familial thoracic 4. Last evaluated: 2019-11-18. Review status: criteria provided, single submitter. Criteria: Invitae Variant Classification Sherloc (09022015). Collection method: clinical testing. Allele origin: germline.
Comment: In summary, the available evidence is currently insufficient to determine the role of this variant in disease. Therefore, it has been classified as a Variant of Uncertain Significance. Algorithms developed to predict the effect of missense changes on protein structure and function (SIFT, PolyPhen-2, Align-GVGD) all suggest that this variant is likely to be disruptive, but these predictions have not been confirmed by published functional studies and their clinical significance is uncertain. This variant has not been reported in the literature in individuals with MYH11-related conditions. This variant is not present in population databases (ExAC no frequency). This sequence change replaces arginine with cysteine at codon 1740 of the MYH11 protein (p.Arg1740Cys). The arginine residue is highly conserved and there is a large physicochemical difference between arginine and cysteine.